The following is an entry in ClinVar:

NM_001371928.1(AHDC1):c.4002C>T (p.Gly1334=)

Gene: AHDC1 (AT-hook DNA binding motif containing 1; minus strand). Cytogenetic location: 1p36.11.
Variant type: single nucleotide variant.
Coding change: c.4002C>T on transcript NM_001371928.1 (MANE Select); coding-DNA position 4002, C replaced by T.
Protein change: p.Gly1334=; no amino-acid change (glycine 1334 retained).
Molecular consequence: synonymous variant.
Genome position (GRCh38, 1-based): chr1:27,548,114, G>A on the plus strand (C>T on the coding strand, the complement: AHDC1 is on the minus strand). VCF-style: chr1-27548114-G-A. GRCh37 (hg19) VCF-style: chr1-27874625-G-A.
Other names: c.4002C>T, p.Gly1334= (NM_001029882.3); c.-43C>T (NM_015699.1).
Identifiers: ClinVar variation 2638565 (VCV002638565.29), dbSNP rs201035986, ClinGen allele CA715451.

ClinVar aggregate classification (germline): Likely benign. Review status: criteria provided, multiple submitters, no conflicts (2 of 4 stars). 3 submissions from 3 submitters: Likely benign (3). Last evaluated 2026-09-01.

Allele frequency attached by ClinVar (database versions not stated): ExAC 0.00004; TOPMed 0.00004; gnomAD 0.00007; gnomAD exomes 0.00008.
gnomAD v4.1: 124 of 1,613,818 alleles (0.0077%); highest among the groups gnomAD compares: Middle Eastern, 0.016%; no homozygotes.

Submissions (4):

CeGaT Center for Human Genetics Tuebingen
Classification: Likely benign. Last evaluated: 2026-09-01. Review status: criteria provided, single submitter. Criteria: CeGaT Center For Human Genetics Tuebingen Variant Classification Criteria Version 2. Collection method: clinical testing. Allele origin: germline. Affected: yes. Observed: 3 variant alleles.
Comment: AHDC1: BP4, BP7

Labcorp Genetics (formerly Invitae), Labcorp
Classification: Likely benign. Last evaluated: 2025-08-18. Review status: criteria provided, single submitter. Criteria: Invitae Variant Classification Sherloc (09022015). Collection method: clinical testing. Allele origin: germline.

Blueprint Genetics
Classification: Likely benign. Last evaluated: 2022-09-27. Review status: criteria provided, single submitter. Criteria: ACMG Guidelines, 2015. Collection method: clinical testing. Allele origin: germline.

Dr. Peter K. Rogan Lab, Western University
No classification provided (evidence only). Condition: Thymoma. Review status: no classification provided. Collection method: in vitro. Allele origin: not applicable. Functional consequence: skipped exon. Not counted in ClinVar's aggregate classification.